The following is an entry in ClinVar:

NM_000094.4(COL7A1):c.4722+4A>T

Gene: COL7A1 (collagen type VII alpha 1 chain; minus strand). Cytogenetic location: 3p21.31.
Variant type: single nucleotide variant.
Coding change: c.4722+4A>T on transcript NM_000094.4 (MANE Select); 4 bases into the intron after coding-DNA position 4722, A replaced by T.
Molecular consequence: intron variant.
Genome position (GRCh38, 1-based): chr3:48,581,702, T>A on the plus strand (A>T on the coding strand, the complement: COL7A1 is on the minus strand). VCF-style: chr3-48581702-T-A. GRCh37 (hg19) VCF-style: chr3-48619135-T-A.
Identifiers: ClinVar variation 1930568 (VCV001930568.3), dbSNP rs776845875, ClinGen allele CA2379881.
Genomic context (GRCh38, chr3:48,581,702, plus strand): 5'-GAAGGATAAGAAGTCAGGAAGACAACCTTCACCAACTGCCCCCTAAACACTTCGCTTCAC[T>A]TACCCGTTCCCCTTGGACTCCGGTAGCTCCTCTGGGCCCAGCGGGCCCCACATCTCCCTG-3'

ClinVar aggregate classification (germline): Uncertain significance (1 of 4 stars; one submission).

Allele frequency attached by ClinVar (database versions not stated): gnomAD exomes 0.00002; ExAC 0.00005.
gnomAD v4.1: 10 of 1,614,028 alleles (0.00062%); highest among the groups gnomAD compares: Non-Finnish European, 0.00085%; no homozygotes.

Submission:

Labcorp Genetics (formerly Invitae), Labcorp
Classification: Uncertain significance. Last evaluated: 2025-04-08. Review status: criteria provided, single submitter. Criteria: Invitae Variant Classification Sherloc (09022015). Collection method: clinical testing. Allele origin: germline.
Comment: This sequence change falls in intron 48 of the COL7A1 gene. It does not directly change the encoded amino acid sequence of the COL7A1 protein. It affects a nucleotide within the consensus splice site. This variant is present in population databases (rs776845875, gnomAD 0.005%). This variant has not been reported in the literature in individuals affected with COL7A1-related conditions. ClinVar contains an entry for this variant (Variation ID: 1930568). Variants that disrupt the consensus splice site are a relatively common cause of aberrant splicing (PMID: 17576681, 9536098). Algorithms developed to predict the effect of sequence changes on RNA splicing suggest that this variant is not likely to affect RNA splicing. In summary, the available evidence is currently insufficient to determine the role of this variant in disease. Therefore, it has been classified as a Variant of Uncertain Significance.

Literature cited by the submitters: PubMed 17576681; PubMed 9536098.